The following is an entry in ClinVar:

ClinVar aggregate classification (germline): Benign/Likely benign. Review status: criteria provided, multiple submitters, no conflicts (2 of 4 stars). 2 submissions from 2 submitters: Benign (1); Likely benign (1). Last evaluated 2024-03-08.

Conditions:
Familial adenomatous polyposis 1 (FAP1). Also called: POLYPOSIS, ADENOMATOUS INTESTINAL; FAMILIAL ADENOMATOUS POLYPOSIS 1, ATTENUATED. Identifiers: MedGen C2713442, MONDO:0021056, OMIM 175100. Disease mechanism: loss of function.
Hereditary cancer-predisposing syndrome. Also called: Neoplastic Syndromes, Hereditary; Tumor predisposition; Hereditary neoplastic syndrome; Hereditary Cancer Syndrome. Identifiers: Orphanet 140162, MedGen C0027672, MeSH D009386, MONDO:0015356.

Allele frequency attached by ClinVar (database versions not stated): gnomAD exomes below 0.00001.
gnomAD v4.1: 1 of 1,614,116 alleles (0.000062%); highest among the groups gnomAD compares: Non-Finnish European, 0.000085%; no homozygotes.

Submissions (2):

Myriad Genetics, Inc.
Classification: Benign for Familial adenomatous polyposis 1. Last evaluated: 2024-03-08. Review status: criteria provided, single submitter. Criteria: Myriad Autosomal Dominant, Autosomal Recessive and X-Linked Classification Criteria (2023). Collection method: clinical testing. Allele origin: unknown.
Comment: This variant is considered benign. This variant is a silent/synonymous amino acid change and it is not expected to impact splicing.

Ambry Genetics
Classification: Likely benign for Hereditary cancer-predisposing syndrome. Last evaluated: 2022-12-09. Review status: criteria provided, single submitter. Criteria: Ambry Variant Classification Scheme 2023. Collection method: clinical testing. Allele origin: germline.

NM_000038.6(APC):c.2157T>C (p.Ala719=)

Gene: APC (APC regulator of Wnt signaling pathway; plus strand). Cytogenetic location: 5q22.2.
Variant type: single nucleotide variant.
Coding change: c.2157T>C on transcript NM_000038.6 (MANE Select); coding-DNA position 2157, T replaced by C.
Protein change: p.Ala719=; no amino-acid change (alanine 719 retained).
Molecular consequence: synonymous variant. On other transcripts: non-coding transcript variant (2).
Genome position (GRCh38, 1-based): chr5:112,837,751, T>C. VCF-style: chr5-112837751-T-C. GRCh37 (hg19) VCF-style: chr5-112173448-T-C.
Other names: c.2157T>C, p.Ala719= (NM_001127510.3, NM_001354895.2, NM_001407450.1); c.2103T>C, p.Ala701= (NM_001127511.3); c.2211T>C, p.Ala737= (NM_001354896.2, NM_001407447.1, NM_001407448.1 and 1 more transcripts); c.2187T>C, p.Ala729= (NM_001354897.2); c.2082T>C, p.Ala694= (NM_001354898.2); c.2073T>C, p.Ala691= (NM_001354899.2); c.2034T>C, p.Ala678= (NM_001354900.2); c.1980T>C, p.Ala660= (NM_001354901.2, NM_001407453.1); and 11 more.
Identifiers: ClinVar variation 2452696 (VCV002452696.2), dbSNP rs2149861938, ClinGen allele CA445963470.